The following is an entry in ClinVar:

NM_016203.4(PRKAG2):c.660G>A (p.Pro220=)

Gene: PRKAG2 (protein kinase AMP-activated non-catalytic subunit gamma 2; minus strand). Cytogenetic location: 7q36.1.
Variant type: single nucleotide variant.
Coding change: c.660G>A on transcript NM_016203.4 (MANE Select); coding-DNA position 660, G replaced by A.
Protein change: p.Pro220=; no amino-acid change (proline 220 retained).
Molecular consequence: synonymous variant.
Genome position (GRCh38, 1-based): chr7:151,675,444, C>T on the plus strand (G>A on the coding strand, the complement: PRKAG2 is on the minus strand). VCF-style: chr7-151675444-C-T. GRCh37 (hg19) VCF-style: chr7-151372530-C-T.
Other names: c.528G>A, p.Pro176= (NM_001040633.2); c.288G>A, p.Pro96= (NM_001304527.2, NM_001363698.2).
Identifiers: ClinVar variation 389538 (VCV000389538.16), dbSNP rs774279454, ClinGen allele CA057783.

ClinVar aggregate classification (germline): Likely benign. Review status: criteria provided, multiple submitters, no conflicts (2 of 4 stars). 6 submissions from 6 submitters: Likely benign (6). Last evaluated 2025-06-08.

Conditions:
Cardiovascular phenotype. Identifiers: MedGen CN230736.
Hypertrophic cardiomyopathy. Also called: HYPERTROPHIC MYOCARDIOPATHY. Identifiers: Orphanet 217569, MedGen C0007194, MeSH D002312, MONDO:0005045, HP:0001639.
Cardiomyopathy (CMYO). Also called: Cardiomyopathies. Identifiers: Orphanet 167848, MedGen C0878544, MONDO:0004994, HP:0001638. Inheritance: Various modes of inheritance.
Lethal congenital glycogen storage disease of heart. Also called: PHOSPHORYLASE KINASE DEFICIENCY OF HEART; GLYCOGEN STORAGE DISEASE OF HEART. Identifiers: Orphanet 439854, MedGen C1849813, MONDO:0009867, OMIM 261740.

Allele frequency attached by ClinVar (database versions not stated): gnomAD 0.00001; gnomAD exomes 0.00001; TOPMed 0.00001; ExAC 0.00001.
gnomAD v4.1: 21 of 1,613,980 alleles (0.0013%); highest among the groups gnomAD compares: Admixed American, 0.005%; no homozygotes.

Submissions (6):

Labcorp Genetics (formerly Invitae), Labcorp
Classification: Likely benign for Lethal congenital glycogen storage disease of heart. Last evaluated: 2025-06-08. Review status: criteria provided, single submitter. Criteria: Invitae Variant Classification Sherloc (09022015). Collection method: clinical testing. Allele origin: germline.

Blueprint Genetics
Classification: Likely benign. Last evaluated: 2024-01-03. Review status: criteria provided, single submitter. Criteria: ACMG Guidelines, 2015. Collection method: clinical testing. Allele origin: germline.

All of Us Research Program, National Institutes of Health
Classification: Likely benign for Hypertrophic cardiomyopathy. Last evaluated: 2023-05-15. Review status: criteria provided, single submitter. Criteria: ACMG Guidelines, 2015. Collection method: clinical testing. Allele origin: germline. Inheritance: Autosomal dominant inheritance. Observed: 3 variant alleles, 3 heterozygotes.
Comment: This study involves interpretation of variants in research participants for the purpose of population health screening. Participant phenotype was not available at the time of variant classification. Additional details can be found in publication PMID: 35346344, PMCID: PMC8962531

Ambry Genetics
Classification: Likely benign for Cardiovascular phenotype. Last evaluated: 2022-08-30. Review status: criteria provided, single submitter. Criteria: Ambry Variant Classification Scheme 2023. Collection method: clinical testing. Allele origin: germline.

Color Diagnostics, LLC DBA Color Health
Classification: Likely benign for Cardiomyopathy. Last evaluated: 2018-11-13. Review status: criteria provided, single submitter. Criteria: ACMG Guidelines, 2015. Collection method: clinical testing. Allele origin: germline.

GeneDx
Classification: Likely benign. Last evaluated: 2016-09-22. Review status: criteria provided, single submitter. Criteria: GeneDx Variant Classification (06012015). Collection method: clinical testing. Allele origin: germline. Affected: yes.
Comment: This variant is considered likely benign or benign based on one or more of the following criteria: it is a conservative change, it occurs at a poorly conserved position in the protein, it is predicted to be benign by multiple in silico algorithms, and/or has population frequency not consistent with disease.